The following is an entry in ClinVar:

ClinVar aggregate classification (germline): Uncertain significance. Review status: criteria provided, multiple submitters, no conflicts (2 of 4 stars). 2 submissions from 2 submitters: Uncertain significance (2). Last evaluated 2025-07-14.

Conditions:
MHC class II deficiency. Also called: Bare lymphocyte syndrome 2; BLS, TYPE II. Identifiers: Orphanet 572, MedGen C5447452, MONDO:0008855.

Allele frequency attached by ClinVar (database versions not stated): gnomAD exomes 0.00002 and 0.00005; gnomAD 0.00003; TOPMed 0.00004; ExAC 0.00007.

Submissions (2):

Ambry Genetics
Classification: Uncertain significance. Last evaluated: 2025-07-14. Review status: criteria provided, single submitter. Criteria: Ambry Variant Classification Scheme 2023. Collection method: clinical testing. Allele origin: germline.

Labcorp Genetics (formerly Invitae), Labcorp
Classification: Uncertain significance for MHC class II deficiency. Last evaluated: 2021-09-02. Review status: criteria provided, single submitter. Criteria: Invitae Variant Classification Sherloc (09022015). Collection method: clinical testing. Allele origin: germline.
Comment: This sequence change replaces arginine with glutamine at codon 262 of the RFX5 protein (p.Arg262Gln). The arginine residue is weakly conserved and there is a small physicochemical difference between arginine and glutamine. This variant is present in population databases (rs770446657, ExAC 0.01%). This variant has not been reported in the literature in individuals affected with RFX5-related conditions. Algorithms developed to predict the effect of missense changes on protein structure and function are either unavailable or do not agree on the potential impact of this missense change (SIFT: "Tolerated"; PolyPhen-2: "Possibly Damaging"; Align-GVGD: "Class C0"). Algorithms developed to predict the effect of sequence changes on RNA splicing suggest that this variant may create or strengthen a splice site. In summary, the available evidence is currently insufficient to determine the role of this variant in disease. Therefore, it has been classified as a Variant of Uncertain Significance.

NM_001025603.2(RFX5):c.785G>A (p.Arg262Gln)

Gene: RFX5 (regulatory factor X5; minus strand). Cytogenetic location: 1q21.3.
Variant type: single nucleotide variant.
Coding change: c.785G>A on transcript NM_001025603.2 (MANE Select); coding-DNA position 785, G replaced by A.
Protein change: p.Arg262Gln; replaces arginine 262 with glutamine.
Molecular consequence: missense variant.
Genome position (GRCh38, 1-based): chr1:151,343,415, C>T on the plus strand (G>A on the coding strand, the complement: RFX5 is on the minus strand). VCF-style: chr1-151343415-C-T. GRCh37 (hg19) VCF-style: chr1-151315891-C-T.
Other names: c.785G>A, p.Arg262Gln (NM_000449.4, NM_001379412.1, NM_001379413.1 and 5 more transcripts); c.665G>A, p.Arg222Gln (NM_001379419.1, NM_001379420.1); short protein forms R262Q, R222Q.
Identifiers: ClinVar variation 861967 (VCV000861967.8), dbSNP rs770446657, ClinGen allele CA1089744.